The following is an entry in ClinVar:

ClinVar aggregate classification (germline): Likely benign. Review status: criteria provided, multiple submitters, no conflicts (2 of 4 stars). 3 submissions from 3 submitters: Likely benign (3). Last evaluated 2026-05-01.

Allele frequency attached by ClinVar (database versions not stated): gnomAD 0.00001; ExAC 0.00002; gnomAD exomes 0.00002; TOPMed 0.00002; ESP Exome Variant Server 0.00008.
gnomAD v4.1: 38 of 1,614,106 alleles (0.0024%); highest among the groups gnomAD compares: Middle Eastern, 0.099%; no homozygotes.

Submissions (3):

CeGaT Center for Human Genetics Tuebingen
Classification: Likely benign. Last evaluated: 2026-05-01. Review status: criteria provided, single submitter. Criteria: CeGaT Center For Human Genetics Tuebingen Variant Classification Criteria Version 2. Collection method: clinical testing. Allele origin: germline. Affected: yes. Observed: 2 variant alleles.
Comment: ARID1A: BP4, BP7

Blueprint Genetics
Classification: Likely benign. Last evaluated: 2024-11-18. Review status: criteria provided, single submitter. Criteria: ACMG Guidelines, 2015. Collection method: clinical testing. Allele origin: germline.

Labcorp Genetics (formerly Invitae), Labcorp
Classification: Likely benign. Last evaluated: 2024-11-15. Review status: criteria provided, single submitter. Criteria: Invitae Variant Classification Sherloc (09022015). Collection method: clinical testing. Allele origin: germline.

NM_006015.6(ARID1A):c.1764G>A (p.Gln588=)

Gene: ARID1A (AT-rich interaction domain 1A; plus strand). Cytogenetic location: 1p36.11.
Variant type: single nucleotide variant.
Coding change: c.1764G>A on transcript NM_006015.6 (MANE Select); coding-DNA position 1764, G replaced by A.
Protein change: p.Gln588=; no amino-acid change (glutamine 588 retained).
Molecular consequence: synonymous variant.
Genome position (GRCh38, 1-based): chr1:26,731,565, G>A. VCF-style: chr1-26731565-G-A. GRCh37 (hg19) VCF-style: chr1-27058056-G-A.
Other names: c.1764G>A, p.Gln588= (NM_139135.4).
Identifiers: ClinVar variation 2159026 (VCV002159026.29), dbSNP rs372078591, ClinGen allele CA706839.